The following is an entry in ClinVar:

ClinVar aggregate classification (germline): Likely pathogenic (1 of 4 stars; one submission).

Conditions:
Short-rib thoracic dysplasia 6 with or without polydactyly (SRTD6). Also called: Majewski Syndrome; SHORT-RIB THORACIC DYSPLASIA 6 WITH POLYDACTYLY; SHORT-RIB THORACIC DYSPLASIA 6 WITHOUT POLYDACTYLY; SHORT RIB-POLYDACTYLY SYNDROME, TYPE IIA; POLYDACTYLY WITH NEONATAL CHONDRODYSTROPHY, TYPE II. Identifiers: MedGen C0024507, MONDO:0009894, OMIM 263520.

Submission:

MGZ Medical Genetics Center
Classification: Likely pathogenic for Short-rib thoracic dysplasia 6 with or without polydactyly. Last evaluated: 2021-08-20. Review status: criteria provided, single submitter. Criteria: ACMG Guidelines, 2015. Collection method: clinical testing. Allele origin: germline. Affected: yes. Observed: 1 variant allele.
Comment: ACMG criteria applied: PVS1, PM2_SUP

NM_001199397.3(NEK1):c.442G>T (p.Gly148Ter)

Gene: NEK1 (NIMA related kinase 1; minus strand). Cytogenetic location: 4q33.
Variant type: single nucleotide variant.
Coding change: c.442G>T on transcript NM_001199397.3 (MANE Select); coding-DNA position 442, G replaced by T.
Protein change: p.Gly148Ter; replaces glycine 148 with a stop codon.
Molecular consequence: nonsense. On other transcripts: non-coding transcript variant (2).
Genome position (GRCh38, 1-based): chr4:169,589,469, C>A on the plus strand (G>T on the coding strand, the complement: NEK1 is on the minus strand). VCF-style: chr4-169589469-C-A. GRCh37 (hg19) VCF-style: chr4-170510620-C-A.
Other names: c.442G>T, p.Gly148Ter (NM_001199398.3, NM_001199399.3, NM_001199400.3 and 7 more transcripts); short protein forms G148*.
Identifiers: ClinVar variation 1709976 (VCV001709976.1), dbSNP rs2546929747, ClinGen allele CA358741063.